The following is an entry in ClinVar:

NM_015046.7(SETX):c.2282C>T (p.Ser761Leu)

Gene: SETX (senataxin; minus strand). Cytogenetic location: 9q34.13.
Variant type: single nucleotide variant.
Coding change: c.2282C>T on transcript NM_015046.7 (MANE Select); coding-DNA position 2282, C replaced by T.
Protein change: p.Ser761Leu; replaces serine 761 with leucine.
Molecular consequence: missense variant.
Genome position (GRCh38, 1-based): chr9:132,329,316, G>A on the plus strand (C>T on the coding strand, the complement: SETX is on the minus strand). VCF-style: chr9-132329316-G-A. GRCh37 (hg19) VCF-style: chr9-135204703-G-A.
Other names: p.Ser761Leu; c.2282C>T, p.Ser761Leu (NM_001351527.2, NM_001351528.2); short protein forms S761L.
Identifiers: ClinVar variation 468491 (VCV000468491.18), dbSNP rs200153024, ClinGen allele CA5297629.

ClinVar aggregate classification (germline): Conflicting classifications of pathogenicity. Review status: criteria provided, conflicting classifications (1 of 4 stars). 5 submissions from 5 submitters: Uncertain significance (2); Likely benign (2). 1 of the submissions does not count toward it. Last evaluated 2025-04-16.

Conditions:
SETX-related disorder. Also called: SETX-related condition; SETX-related disorders. Identifiers: MedGen CN239403.
Inborn genetic diseases. Identifiers: MedGen C0950123, MeSH D030342.
Amyotrophic lateral sclerosis type 4 (ALS4). Also called: NEURONOPATHY, DISTAL HEREDITARY MOTOR, WITH PYRAMIDAL FEATURES; AMYOTROPHIC LATERAL SCLEROSIS 4, JUVENILE. Identifiers: Orphanet 357043, MedGen C1865409, MONDO:0011223, OMIM 602433.
Spinocerebellar ataxia, autosomal recessive, with axonal neuropathy 2 (SCAN2). Also called: Ataxia-ocular apraxia-2; ATAXIA-OCULOMOTOR APRAXIA 2; Ataxia with Oculomotor Apraxia; Ataxia with Oculomotor Apraxia Type 2. Identifiers: Orphanet 64753, MedGen C1853761, MONDO:0018996, OMIM 606002.

Allele frequency attached by ClinVar (database versions not stated): 1000 Genomes Project 30x 0.00031; 1000 Genomes Project 0.00040; ESP Exome Variant Server 0.00054; gnomAD 0.00056 and 0.00059; TOPMed 0.00057.
gnomAD v4.1: 145 of 1,613,752 alleles (0.009%); highest among the groups gnomAD compares: African/African-American, 0.15%; no homozygotes.

Submissions (5):

Athena Diagnostics
Classification: Likely benign. Last evaluated: 2025-04-16. Review status: criteria provided, single submitter. Criteria: Athena Diagnostics Criteria. Collection method: clinical testing. Allele origin: unknown.
Comment: The frequency of this variant in the general population is higher than would generally be expected for pathogenic variants in this gene.

Labcorp Genetics (formerly Invitae), Labcorp
Classification: Likely benign for Amyotrophic lateral sclerosis type 4; Spinocerebellar ataxia, autosomal recessive, with axonal neuropathy 2. Last evaluated: 2025-03-13. Review status: criteria provided, single submitter. Criteria: Invitae Variant Classification Sherloc (09022015). Collection method: clinical testing. Allele origin: germline.

Mayo Clinic Laboratories, Mayo Clinic
Classification: Uncertain significance. Last evaluated: 2023-02-03. Review status: criteria provided, single submitter. Criteria: ACMG Guidelines, 2015. Collection method: clinical testing. Allele origin: germline. Observed: 1 variant allele.

Ambry Genetics
Classification: Uncertain significance for Inborn genetic diseases. Last evaluated: 2020-07-21. Review status: criteria provided, single submitter. Criteria: Ambry Variant Classification Scheme 2023. Collection method: clinical testing. Allele origin: germline.
Comment: The p.S761L variant (also known as c.2282C>T), located in coding exon 8 of the SETX gene, results from a C to T substitution at nucleotide position 2282. The serine at codon 761 is replaced by leucine, an amino acid with dissimilar properties. This amino acid position is highly conserved in available vertebrate species. In addition, the in silico prediction for this alteration is inconclusive. Based on the supporting evidence, this variant is unlikely to be causative of juvenile amyotrophic lateral sclerosis 4; however, its contribution to the development of spinocerebellar ataxia with axonal neuropathy 2 is uncertain.

PreventionGenetics, part of Exact Sciences
Classification: Likely benign for SETX-related condition. Last evaluated: 2023-03-11. Review status: no assertion criteria provided. Collection method: clinical testing. Allele origin: germline. Not counted in ClinVar's aggregate classification.
Comment: This variant is classified as likely benign based on ACMG/AMP sequence variant interpretation guidelines (Richards et al. 2015 PMID: 25741868, with internal and published modifications).